The following is an entry in ClinVar:

NM_025114.4(CEP290):c.5203G>A (p.Ala1735Thr)

Gene: CEP290 (centrosomal protein 290; minus strand). Cytogenetic location: 12q21.32.
Variant type: single nucleotide variant.
Coding change: c.5203G>A on transcript NM_025114.4 (MANE Select); coding-DNA position 5203, G replaced by A.
Protein change: p.Ala1735Thr; replaces alanine 1735 with threonine.
Molecular consequence: missense variant.
Genome position (GRCh38, 1-based): chr12:88,080,205, C>T on the plus strand (G>A on the coding strand, the complement: CEP290 is on the minus strand). VCF-style: chr12-88080205-C-T. GRCh37 (hg19) VCF-style: chr12-88473982-C-T.
Other names: short protein forms A1735T.
Identifiers: ClinVar variation 1002718 (VCV001002718.6), dbSNP rs2036093152, ClinGen allele CA385990936.

ClinVar aggregate classification (germline): Uncertain significance. Review status: criteria provided, multiple submitters, no conflicts (2 of 4 stars). 2 submissions from 2 submitters: Uncertain significance (2). Last evaluated 2021-08-26.

Conditions:
Joubert syndrome. Also called: Familial aplasia of the vermis; CEREBELLOPARENCHYMAL DISORDER IV; JOUBERT-BOLTSHAUSER SYNDROME. Identifiers: Orphanet 475, MedGen C5979921, MONDO:0018772.
Meckel-Gruber syndrome. Also called: Dysencephalia splachnocystica; DYSENCEPHALIA SPLANCHNOCYSTICA; GRUBER SYNDROME. Identifiers: Orphanet 564, MedGen C0265215, MONDO:0018921.
Nephronophthisis. Also called: Juvenile Nephronophthisis. Identifiers: Orphanet 655, MedGen C0687120, MONDO:0019005, HP:0000090.

Submissions (2):

Labcorp Genetics (formerly Invitae), Labcorp
Classification: Uncertain significance for Joubert syndrome; Meckel-Gruber syndrome; Nephronophthisis. Last evaluated: 2021-08-26. Review status: criteria provided, single submitter. Criteria: Invitae Variant Classification Sherloc (09022015). Collection method: clinical testing. Allele origin: germline.

GeneDx
Classification: Uncertain significance. Last evaluated: 2019-10-04. Review status: criteria provided, single submitter. Criteria: GeneDx Variant Classification Process June 2021. Collection method: clinical testing. Allele origin: germline. Affected: yes.
Comment: Not observed in large population cohorts (Lek et al., 2016); In silico analysis, which includes protein predictors and evolutionary conservation, supports that this variant does not alter protein structure/function; Has not been previously published as pathogenic or benign to our knowledge